The following is an entry in ClinVar:

ClinVar aggregate classification (germline): Pathogenic. Review status: reviewed by expert panel (3 of 4 stars). 2 submissions from 2 submitters: Pathogenic (1). 1 of the submissions does not count toward it. Last evaluated 2016-10-18.

Conditions:
Breast-ovarian cancer, familial, susceptibility to, 1 (BROVCA1). Also called: BRCA1 Hereditary Breast and Ovarian Cancer; OVARIAN CANCER, SUSCEPTIBILITY TO. Identifiers: Orphanet 145, MedGen C2676676, MONDO:0011450, OMIM 604370. Disease mechanism: loss of function.

Submissions (2):

Evidence-based Network for the Interpretation of Germline Mutant Alleles (ENIGMA)
Classification: Pathogenic for Breast-ovarian cancer, familial, susceptibility to, 1. Last evaluated: 2016-10-18. Review status: reviewed by expert panel. Criteria: ENIGMA BRCA1/2 Classification Criteria (2015). Collection method: curation. Allele origin: germline.
Comment: Variant allele predicted to encode a truncated non-functional protein.

Consortium of Investigators of Modifiers of BRCA1/2 (CIMBA), c/o University of Cambridge
Classification: Pathogenic for Breast-ovarian cancer, familial, susceptibility to, 1. Last evaluated: 2015-10-02. Review status: criteria provided, single submitter. Criteria: CIMBA Mutation Classification guidelines May 2016. Collection method: clinical testing. Allele origin: germline. Not counted in ClinVar's aggregate classification.

NM_007294.4(BRCA1):c.3504_3505insA (p.Asp1169fs)

Genes: BRCA1 (BRCA1 DNA repair associated; minus strand), LOC126862571 (BRD4-independent group 4 enhancer GRCh37_chr17:41243136-41244335; plus strand). Cytogenetic location: 17q21.31.
Variant type: Insertion.
Coding change: c.3504_3505insA on transcript NM_007294.4 (MANE Select); coding-DNA positions 3504 to 3505, A inserted.
Protein change: p.Asp1169fs; shifts the reading frame from aspartic acid 1169.
Molecular consequence: frameshift variant. On other transcripts: intron variant (135).
Genome position: GRCh38 VCF-style: chr17-43092026-C-CT. GRCh37 (hg19) VCF-style: chr17-41244043-C-CT.
Other names: 3623insA; c.3501_3502insA, p.Asp1168fs (NM_001407627.1, NM_001407628.1, NM_001407629.1 and 22 more transcripts); c.3504_3505insA, p.Asp1169fs (NM_001407639.1, NM_001407640.1, NM_001407641.1 and 30 more transcripts); c.3495_3496insA, p.Asp1166fs (NM_001407646.1, NM_001407647.1); c.3381_3382insA, p.Asp1128fs (NM_001407648.1, NM_001407664.1, NM_001407665.1 and 19 more transcripts); c.3378_3379insA, p.Asp1127fs (NM_001407649.1, NM_001407670.1, NM_001407671.1 and 11 more transcripts); c.3426_3427insA, p.Asp1143fs (NM_001407653.1, NM_001407654.1, NM_001407655.1 and 4 more transcripts); c.3423_3424insA, p.Asp1142fs (NM_001407659.1, NM_001407660.1, NM_001407661.1 and 1 more transcripts); and 42 more; short protein forms D1122fs, D1169fs, D1001fs, D1057fs, D1142fs, D1166fs, D1042fs, D1058fs.
Identifiers: ClinVar variation 266379 (VCV000266379.6), dbSNP rs886040138, ClinGen allele CA10589744.